The following is an entry in ClinVar:

NM_015974.3(CRYL1):c.795T>A (p.Thr265=)

Gene: CRYL1 (crystallin lambda 1; minus strand). Cytogenetic location: 13q12.11.
Variant type: single nucleotide variant.
Coding change: c.795T>A on transcript NM_015974.3 (MANE Select); coding-DNA position 795, T replaced by A.
Protein change: p.Thr265=; no amino-acid change (threonine 265 retained).
Molecular consequence: synonymous variant.
Genome position (GRCh38, 1-based): chr13:20,404,686, A>T on the plus strand (T>A on the coding strand, the complement: CRYL1 is on the minus strand). VCF-style: chr13-20404686-A-T. GRCh37 (hg19) VCF-style: chr13-20978825-A-T.
Other names: c.633T>A, p.Thr211= (NM_001363647.2).
Identifiers: ClinVar variation 3049762 (VCV003049762.2), dbSNP rs999549359, ClinGen allele CA246815399.

ClinVar aggregate classification (germline): Likely benign (0 of 4 stars; one submission).

Conditions:
CRYL1-related disorder. Also called: CRYL1-related condition.

Allele frequency attached by ClinVar (database versions not stated): TOPMed below 0.00001; gnomAD exomes 0.00001.
gnomAD v4.1: 12 of 1,614,134 alleles (0.00074%); highest among the groups gnomAD compares: Non-Finnish European, 0.00093%; no homozygotes.

Submission:

PreventionGenetics, part of Exact Sciences
Classification: Likely benign for CRYL1-related condition. Last evaluated: 2019-07-12. Review status: no assertion criteria provided. Collection method: clinical testing. Allele origin: germline.
Comment: This variant is classified as likely benign based on ACMG/AMP sequence variant interpretation guidelines (Richards et al. 2015 PMID: 25741868, with internal and published modifications).